The following is an entry in ClinVar:

ClinVar aggregate classification (germline): Uncertain significance (1 of 4 stars; one submission).

Conditions:
Cardiovascular phenotype. Identifiers: MedGen CN230736.

Submission:

Ambry Genetics
Classification: Uncertain significance for Cardiovascular phenotype. Last evaluated: 2024-10-22. Review status: criteria provided, single submitter. Criteria: Ambry Variant Classification Scheme 2023. Collection method: clinical testing. Allele origin: germline.
Comment: The p.A176P variant (also known as c.526G>C), located in coding exon 1 of the FOXE3 gene, results from a G to C substitution at nucleotide position 526. The alanine at codon 176 is replaced by proline, an amino acid with highly similar properties. This amino acid position is conserved. In addition, this alteration is predicted to be tolerated by in silico analysis. Based on the available evidence, the clinical significance of this variant remains unclear.

NM_012186.3(FOXE3):c.526G>C (p.Ala176Pro)

Genes: FOXE3 (forkhead box E3; plus strand), LINC01389 (long intergenic non-protein coding RNA 1389; minus strand). Cytogenetic location: 1p33.
Variant type: single nucleotide variant.
Coding change: c.526G>C on transcript NM_012186.3 (MANE Select); coding-DNA position 526, G replaced by C.
Protein change: p.Ala176Pro; replaces alanine 176 with proline.
Molecular consequence: missense variant.
Genome position (GRCh38, 1-based): chr1:47,416,841, G>C. VCF-style: chr1-47416841-G-C. GRCh37 (hg19) VCF-style: chr1-47882513-G-C.
Other names: short protein forms A176P.
Identifiers: ClinVar variation 3516703 (VCV003516703.1).
Genomic context (GRCh38, chr1:47,416,841, plus strand): 5'-GACAACGGCAGCTTCCTGCGGCGCCGCAAGCGCTTCAAGCGCGCCGAGCTGCCCGCGCAC[G>C]CGGCCGCGGCGCCAGGGCCGCCGCTCCCCTTCCCCTACGCGCCCTACGCGCCCGCGCCCG-3'
Protein context (NP_036318.1, residues 166-186): RFKRAELPAH[Ala176Pro]AAAPGPPLPF